The following is an entry in ClinVar:

NM_004237.4(TRIP13):c.515A>G (p.Asn172Ser)

Gene: TRIP13 (thyroid hormone receptor interactor 13; plus strand). Cytogenetic location: 5p15.33.
Variant type: single nucleotide variant.
Coding change: c.515A>G on transcript NM_004237.4 (MANE Select); coding-DNA position 515, A replaced by G.
Protein change: p.Asn172Ser; replaces asparagine 172 with serine.
Molecular consequence: missense variant.
Genome position (GRCh38, 1-based): chr5:901,411, A>G. VCF-style: chr5-901411-A-G. GRCh37 (hg19) VCF-style: chr5-901526-A-G.
Other names: c.515A>G, p.Asn172Ser (NM_001166260.2); short protein forms N172S.
Identifiers: ClinVar variation 3351015 (VCV003351015.2).

ClinVar aggregate classification (germline): Uncertain significance. Review status: criteria provided, single submitter (1 of 4 stars). 2 submissions from 2 submitters: Uncertain significance (1). 1 of the submissions does not count toward it. Last evaluated 2025-08-22.

Conditions:
TRIP13-related disorder. Also called: TRIP13-related condition.

gnomAD v4.1: 28 of 1,613,976 alleles (0.0017%); highest among the groups gnomAD compares: Admixed American, 0.0067%; no homozygotes.

Submissions (2):

Ambry Genetics
Classification: Uncertain significance. Last evaluated: 2025-08-22. Review status: criteria provided, single submitter. Criteria: Ambry Variant Classification Scheme 2023. Collection method: clinical testing. Allele origin: germline.

PreventionGenetics, part of Exact Sciences
Classification: Uncertain significance for TRIP13-related condition. Last evaluated: 2024-06-07. Review status: no assertion criteria provided. Collection method: clinical testing. Allele origin: germline. Not counted in ClinVar's aggregate classification.
Comment: The TRIP13 c.515A>G variant is predicted to result in the amino acid substitution p.Asn172Ser. To our knowledge, this variant has not been reported in the literature. This variant is reported in 0.0028% of alleles in individuals of Latino descent in gnomAD. At this time, the clinical significance of this variant is uncertain due to the absence of conclusive functional and genetic evidence.